The following is an entry in ClinVar:

NM_144573.4(NEXN):c.767G>A (p.Arg256Gln)

Gene: NEXN (nexilin F-actin binding protein; plus strand). Cytogenetic location: 1p31.1.
Variant type: single nucleotide variant.
Coding change: c.767G>A on transcript NM_144573.4 (MANE Select); coding-DNA position 767, G replaced by A.
Protein change: p.Arg256Gln; replaces arginine 256 with glutamine.
Molecular consequence: missense variant.
Genome position (GRCh38, 1-based): chr1:77,926,795, G>A. VCF-style: chr1-77926795-G-A. GRCh37 (hg19) VCF-style: chr1-78392480-G-A.
Other names: c.575G>A, p.Arg192Gln (NM_001172309.2); short protein forms R256Q, R192Q.
Identifiers: ClinVar variation 538105 (VCV000538105.7), dbSNP rs748921688, ClinGen allele CA918728.

ClinVar aggregate classification (germline): Uncertain significance. Review status: criteria provided, multiple submitters, no conflicts (2 of 4 stars). 3 submissions from 3 submitters: Uncertain significance (3). Last evaluated 2024-10-18.

Conditions:
Dilated cardiomyopathy 1CC (CMD1CC). Identifiers: Orphanet 154, MedGen C2751084, MONDO:0013147, OMIM 613122.
Hypertrophic cardiomyopathy 20. Identifiers: MedGen C3151267, MONDO:0013477, OMIM 613876.
Cardiovascular phenotype. Identifiers: MedGen CN230736.

Allele frequency attached by ClinVar (database versions not stated): ExAC 0.00001; gnomAD 0.00001; gnomAD exomes 0.00001; TOPMed 0.00001.
gnomAD v4.1: 13 of 1,613,772 alleles (0.00081%); highest among the groups gnomAD compares: East Asian, 0.0045%; no homozygotes.

Submissions (3):

Ambry Genetics
Classification: Uncertain significance for Cardiovascular phenotype. Last evaluated: 2024-10-18. Review status: criteria provided, single submitter. Criteria: Ambry Variant Classification Scheme 2023. Collection method: clinical testing. Allele origin: germline.
Comment: The p.R256Q variant (also known as c.767G>A), located in coding exon 7 of the NEXN gene, results from a G to A substitution at nucleotide position 767. The arginine at codon 256 is replaced by glutamine, an amino acid with highly similar properties. This variant has been reported in a hypertrophic cardiomyopathy (HCM) cohort, but clinical details were limited (Chung H et al. J Cardiovasc Magn Reson, 2021 Mar;23:18). This amino acid position is not well conserved in available vertebrate species. In addition, this alteration is predicted to be tolerated by in silico analysis. Based on the available evidence, the clinical significance of this variant remains unclear.

GeneDx
Classification: Uncertain significance. Last evaluated: 2023-05-03. Review status: criteria provided, single submitter. Criteria: GeneDx Variant Classification Process June 2021. Collection method: clinical testing. Allele origin: germline. Affected: yes.
Comment: Identified in a patient with HCM in published literature (Chung et al., 2021); this patient also harbored additional cardiogenetic variants; Not observed at significant frequency in large population cohorts (gnomAD); In silico analysis supports that this missense variant does not alter protein structure/function; This variant is associated with the following publications: (PMID: 33658040)

Labcorp Genetics (formerly Invitae), Labcorp
Classification: Uncertain significance for Dilated cardiomyopathy 1CC; Hypertrophic cardiomyopathy 20. Last evaluated: 2021-08-28. Review status: criteria provided, single submitter. Criteria: Invitae Variant Classification Sherloc (09022015). Collection method: clinical testing. Allele origin: germline.
Comment: This sequence change replaces arginine with glutamine at codon 256 of the NEXN protein (p.Arg256Gln). The arginine residue is moderately conserved and there is a small physicochemical difference between arginine and glutamine. This variant is present in population databases (rs748921688, ExAC 0.01%). This variant has not been reported in the literature in individuals affected with NEXN-related conditions. Algorithms developed to predict the effect of missense changes on protein structure and function are either unavailable or do not agree on the potential impact of this missense change (SIFT: "Deleterious"; PolyPhen-2: "Benign"; Align-GVGD: "Class C0"). In summary, the available evidence is currently insufficient to determine the role of this variant in disease. Therefore, it has been classified as a Variant of Uncertain Significance.

Literature cited by the submitters: PubMed 33658040 (cited by Ambry Genetics).